The following is an entry in ClinVar:

NM_017882.3(CLN6):c.707T>C (p.Phe236Ser)

Gene: CLN6 (CLN6 transmembrane ER protein; minus strand). Cytogenetic location: 15q23.
Variant type: single nucleotide variant.
Coding change: c.707T>C on transcript NM_017882.3 (MANE Select); coding-DNA position 707, T replaced by C.
Protein change: p.Phe236Ser; replaces phenylalanine 236 with serine.
Molecular consequence: missense variant.
Genome position (GRCh38, 1-based): chr15:68,208,369, A>G on the plus strand (T>C on the coding strand, the complement: CLN6 is on the minus strand). VCF-style: chr15-68208369-A-G. GRCh37 (hg19) VCF-style: chr15-68500707-A-G.
Other names: c.803T>C, p.Phe268Ser (NM_001411068.1); short protein forms F236S, F268S.
Identifiers: ClinVar variation 1757040 (VCV001757040.2), dbSNP rs2505401809, ClinGen allele CA392972211.

ClinVar aggregate classification (germline): Uncertain significance (1 of 4 stars; one submission).

Conditions:
Inborn genetic diseases. Identifiers: MedGen C0950123, MeSH D030342.

Allele frequency attached by ClinVar (database versions not stated): gnomAD exomes below 0.00001.
gnomAD v4.1: 4 of 1,613,784 alleles (0.00025%); highest among the groups gnomAD compares: Non-Finnish European, 0.00034%; no homozygotes.

Submission:

Ambry Genetics
Classification: Uncertain significance for Inborn genetic diseases. Last evaluated: 2019-07-22. Review status: criteria provided, single submitter. Criteria: Ambry Variant Classification Scheme 2023. Collection method: clinical testing. Allele origin: germline.
Comment: The p.F236S variant (also known as c.707T>C), located in coding exon 7 of the CLN6 gene, results from a T to C substitution at nucleotide position 707. The phenylalanine at codon 236 is replaced by serine, an amino acid with highly dissimilar properties. This amino acid position is well conserved in available vertebrate species. In addition, this alteration is predicted to be deleterious by in silico analysis. Since supporting evidence is limited at this time, the clinical significance of this alteration remains unclear.